The following is an entry in ClinVar:

NM_016151.4(TAOK2):c.1125dup (p.Asp376fs)

Gene: TAOK2 (TAO kinase 2; plus strand). Cytogenetic location: 16p11.2.
Variant type: Duplication.
Coding change: c.1125dup on transcript NM_016151.4 (MANE Select); coding-DNA position 1125, one base duplicated (A; older notation c.1125dupA).
Protein change: p.Asp376fs; shifts the reading frame from aspartic acid 376.
Molecular consequence: frameshift variant.
Genome position (GRCh38, 1-based): chr16:29,983,197, A duplicated. VCF-style (leftmost placement, unchanged base first): chr16-29983196-C-CA. GRCh37 (hg19) VCF-style: chr16-29994517-C-CA.
Other names: c.1125dup, p.Asp376fs (NM_001252043.2, NM_004783.4); short protein forms D376fs.
Identifiers: ClinVar variation 4733719 (VCV004733719.1).

ClinVar aggregate classification (germline): Uncertain significance (1 of 4 stars; one submission).

Submission:

Labcorp Genetics (formerly Invitae), Labcorp
Classification: Uncertain significance. Last evaluated: 2025-12-30. Review status: criteria provided, single submitter. Criteria: Invitae Variant Classification Sherloc (09022015). Collection method: clinical testing. Allele origin: germline.
Comment: This sequence change creates a premature translational stop signal (p.Asp376Argfs*20) in the TAOK2 gene. It is expected to result in an absent or disrupted protein product. However, the current clinical and genetic evidence is not sufficient to establish whether loss-of-function variants in TAOK2 cause disease. This variant is not present in population databases (gnomAD no frequency). This variant has not been reported in the literature in individuals affected with TAOK2-related conditions. In summary, the available evidence is currently insufficient to determine the role of this variant in disease. Therefore, it has been classified as a Variant of Uncertain Significance.